The following is an entry in ClinVar:

ClinVar aggregate classification (germline): Benign (1 of 4 stars; one submission).

Conditions:
Coxopodopatellar syndrome. Also called: ISCHIOPATELLAR DYSPLASIA; SCOTT-TAOR SYNDROME; Small patella syndrome; ISCHIOCOXOPODOPATELLAR SYNDROME; PATELLA APLASIA, COXA VARA, AND TARSAL SYNOSTOSIS; Congenital coxa vara, patella aplasia and tarsal synostosis. Identifiers: Orphanet 1509, MedGen C1840061, MONDO:0007841, OMIM 147891.

Allele frequency attached by ClinVar (database versions not stated): gnomAD 0.00001 and 0.00006; TOPMed 0.00001; gnomAD exomes 0.00006 and 0.00027; 1000 Genomes Project 0.00040; 1000 Genomes Project 30x 0.00047; ExAC 0.00084.
gnomAD v4.1: 83 of 1,353,970 alleles (0.0061%); highest among the groups gnomAD compares: South Asian, 0.14%; no homozygotes.

Submission:

Illumina Laboratory Services, Illumina
Classification: Benign for Coxopodopatellar syndrome. Last evaluated: 2018-01-13. Review status: criteria provided, single submitter. Criteria: ICSL Variant Classification Criteria 13 December 2019. Collection method: clinical testing. Allele origin: germline.
Comment: This variant was observed in the ICSL laboratory as part of a predisposition screen in an ostensibly healthy population. It had not been previously curated by ICSL or reported in the Human Gene Mutation Database (HGMD: prior to June 1st, 2018), and was therefore a candidate for classification through an automated scoring system. Utilizing variant allele frequency, disease prevalence and penetrance estimates, and inheritance mode, an automated score was calculated to assess if this variant is too frequent to cause the disease. Based on the score and internal cut-off values, a variant classified as benign is not then subjected to further curation. The score for this variant resulted in a classification of benign for this disease.

NM_001321120.2(TBX4):c.172G>A (p.Ala58Thr)

Gene: TBX4 (T-box transcription factor 4; plus strand). Cytogenetic location: 17q23.2.
Variant type: single nucleotide variant.
Coding change: c.172G>A on transcript NM_001321120.2 (MANE Select); coding-DNA position 172, G replaced by A.
Protein change: p.Ala58Thr; replaces alanine 58 with threonine.
Molecular consequence: missense variant.
Genome position (GRCh38, 1-based): chr17:61,456,662, G>A. VCF-style: chr17-61456662-G-A. GRCh37 (hg19) VCF-style: chr17-59534023-G-A.
Other names: c.172G>A, p.Ala58Thr (LRG_1206t1, NM_018488.3); short protein forms A58T.
Identifiers: ClinVar variation 324246 (VCV000324246.5), dbSNP rs575407008, ClinGen allele CA8689743.